The following is an entry in ClinVar:

NM_024642.5(GALNT12):c.732G>A (p.Arg244=)

Gene: GALNT12 (polypeptide N-acetylgalactosaminyltransferase 12; plus strand). Cytogenetic location: 9q22.33.
Variant type: single nucleotide variant.
Coding change: c.732G>A on transcript NM_024642.5 (MANE Select); coding-DNA position 732, G replaced by A.
Protein change: p.Arg244=; no amino-acid change (arginine 244 retained).
Molecular consequence: synonymous variant.
Genome position (GRCh38, 1-based): chr9:98,831,772, G>A. VCF-style: chr9-98831772-G-A. GRCh37 (hg19) VCF-style: chr9-101594054-G-A.
Identifiers: ClinVar variation 1758366 (VCV001758366.7), dbSNP rs1318889911, ClinGen allele CA466424678.

ClinVar aggregate classification (germline): Conflicting classifications of pathogenicity. Review status: criteria provided, conflicting classifications (1 of 4 stars). 2 submissions from 2 submitters: Uncertain significance (1); Likely benign (1). Last evaluated 2023-11-19.

Allele frequency attached by ClinVar (database versions not stated): gnomAD exomes below 0.00001; TOPMed 0.00001.
gnomAD v4.1: 2 of 1,614,170 alleles (0.00012%); highest among the groups gnomAD compares: Non-Finnish European, 0.00017%; no homozygotes.

Submissions (2):

Labcorp Genetics (formerly Invitae), Labcorp
Classification: Uncertain significance. Last evaluated: 2023-11-19. Review status: criteria provided, single submitter. Criteria: Invitae Variant Classification Sherloc (09022015). Collection method: clinical testing. Allele origin: germline.
Comment: This sequence change affects codon 244 of the GALNT12 mRNA. It is a 'silent' change, meaning that it does not change the encoded amino acid sequence of the GALNT12 protein. It affects a nucleotide within the consensus splice site. This variant is not present in population databases (gnomAD no frequency). This variant has not been reported in the literature in individuals affected with GALNT12-related conditions. ClinVar contains an entry for this variant (Variation ID: 1758366). Algorithms developed to predict the effect of sequence changes on RNA splicing suggest that this variant is not likely to affect RNA splicing. In summary, the available evidence is currently insufficient to determine the role of this variant in disease. Therefore, it has been classified as a Variant of Uncertain Significance.

Ambry Genetics
Classification: Likely benign. Last evaluated: 2022-06-20. Review status: criteria provided, single submitter. Criteria: Ambry Variant Classification Scheme 2023. Collection method: clinical testing. Allele origin: germline.